The following is an entry in ClinVar:

ClinVar aggregate classification (germline): Uncertain significance (1 of 4 stars; one submission).

Allele frequency attached by ClinVar (database versions not stated): gnomAD exomes below 0.00001.
gnomAD v4.1: 1 of 1,613,912 alleles (0.000062%); highest among the groups gnomAD compares: East Asian, 0.0022%; no homozygotes.

Submission:

Ambry Genetics
Classification: Uncertain significance. Last evaluated: 2022-09-25. Review status: criteria provided, single submitter. Criteria: Ambry Variant Classification Scheme 2023. Collection method: clinical testing. Allele origin: germline.
Comment: The p.Q2102R variant (also known as c.6305A>G), located in coding exon 20 of the POLQ gene, results from an A to G substitution at nucleotide position 6305. The glutamine at codon 2102 is replaced by arginine, an amino acid with highly similar properties. This amino acid position is conserved. In addition, this alteration is predicted to be tolerated by in silico analysis. Since supporting evidence is limited at this time, the clinical significance of this alteration remains unclear.

NM_199420.4(POLQ):c.6305A>G (p.Gln2102Arg)

Gene: POLQ (DNA polymerase theta; minus strand). Cytogenetic location: 3q13.33.
Variant type: single nucleotide variant.
Coding change: c.6305A>G on transcript NM_199420.4 (MANE Select); coding-DNA position 6305, A replaced by G.
Protein change: p.Gln2102Arg; replaces glutamine 2102 with arginine.
Molecular consequence: missense variant.
Genome position (GRCh38, 1-based): chr3:121,476,640, T>C on the plus strand (A>G on the coding strand, the complement: POLQ is on the minus strand). VCF-style: chr3-121476640-T-C. GRCh37 (hg19) VCF-style: chr3-121195487-T-C.
Other names: short protein forms Q2102R.
Identifiers: ClinVar variation 1752749 (VCV001752749.2), dbSNP rs2546777192, ClinGen allele CA354086990.
Genomic context (GRCh38, chr3:121,476,640, plus strand): 5'-CCAGCTAGTTGATAGGCCTGGGTCTCAATTGCATCCAGCTTGGCTTGCATTATATGTTTC[T>C]GACTTTCACATTCTGCAGTACTAAAGCCAATTCCATTTAGTTCTAGCAAGGCCAAGCAGT-3'
Protein context (NP_955452.3, residues 2092-2112): IGFSTAECES[Gln2102Arg]KHIMQAKLDA